The following is an entry in ClinVar:

ClinVar aggregate classification (germline): Likely pathogenic. Review status: criteria provided, multiple submitters, no conflicts (2 of 4 stars). 2 submissions from 2 submitters: Likely pathogenic (2). Last evaluated 2026-02-16.

Conditions:
Leigh syndrome (NULS). Also called: Leigh's syndrome; Leigh Disease; Subacute necrotizing encephalopathy; Necrotizing encephalopathy infantile subacute of Leigh; LEIGH SYNDROME, NUCLEAR; Leigh's necrotizing encephalopathy. Identifiers: Orphanet 506, MedGen C2931891, MONDO:0009723, OMIM 256000.

Submissions (2):

Women's Health and Genetics/Laboratory Corporation of America, LabCorp
Classification: Likely pathogenic for Leigh syndrome. Last evaluated: 2026-02-16. Review status: criteria provided, single submitter. Criteria: LabCorp Variant Classification Summary - May 2015. Collection method: clinical testing. Allele origin: germline.
Comment: Variant summary: NDUFS7 c.123-1G>C is located in a canonical splice-site and is predicted to affect mRNA splicing resulting in a significantly altered protein due to either exon skipping, shortening, or inclusion of intronic material. Variants that disrupt the consensus splice site are a relatively common cause of aberrant splicing and loss of NDUFS7 function. The variant was absent in 213894 control chromosomes. To our knowledge, no occurrence of c.123-1G>C in individuals affected with NDUFS7-related conditions and no experimental evidence demonstrating its impact on protein function have been reported. ClinVar contains an entry for this variant (Variation ID: 2857867). Based on the evidence outlined above, the variant was classified as likely pathogenic.

Labcorp Genetics (formerly Invitae), Labcorp
Classification: Likely pathogenic. Last evaluated: 2023-04-20. Review status: criteria provided, single submitter. Criteria: Invitae Variant Classification Sherloc (09022015). Collection method: clinical testing. Allele origin: germline.
Comment: In summary, the currently available evidence indicates that the variant is pathogenic, but additional data are needed to prove that conclusively. Therefore, this variant has been classified as Likely Pathogenic. Algorithms developed to predict the effect of sequence changes on RNA splicing suggest that this variant may disrupt the consensus splice site. This sequence change affects an acceptor splice site in intron 3 of the NDUFS7 gene. It is expected to disrupt RNA splicing. Variants that disrupt the donor or acceptor splice site typically lead to a loss of protein function (PMID: 16199547), and loss-of-function variants in NDUFS7 are known to be pathogenic (PMID: 17604671). This variant is not present in population databases (gnomAD no frequency). This variant has not been reported in the literature in individuals affected with NDUFS7-related conditions.

Literature cited by the submitters: PubMed 16199547 (cited by Labcorp Genetics (formerly Invitae), Labcorp); PubMed 17604671 (cited by Labcorp Genetics (formerly Invitae), Labcorp).

NM_024407.5(NDUFS7):c.123-1G>C

Gene: NDUFS7 (NADH:ubiquinone oxidoreductase core subunit S7; plus strand). Cytogenetic location: 19p13.3.
Variant type: single nucleotide variant.
Coding change: c.123-1G>C on transcript NM_024407.5 (MANE Select); the canonical splice acceptor site of the intron before coding-DNA position 123, G replaced by C.
Molecular consequence: splice acceptor variant.
Genome position (GRCh38, 1-based): chr19:1,388,832, G>C. VCF-style: chr19-1388832-G-C. GRCh37 (hg19) VCF-style: chr19-1388831-G-C.
Other names: c.123-1G>C (NM_001363602.2).
Identifiers: ClinVar variation 2857867 (VCV002857867.4), dbSNP rs2512206013, ClinGen allele CA402983353.